The following is an entry in ClinVar:

NM_213649.2(SFXN4):c.111+175C>G

Gene: SFXN4 (sideroflexin 4; minus strand). Cytogenetic location: 10q26.11.
Variant type: single nucleotide variant.
Coding change: c.111+175C>G on transcript NM_213649.2 (MANE Select); 175 bases into the intron after coding-DNA position 111, C replaced by G.
Molecular consequence: intron variant.
Genome position (GRCh38, 1-based): chr10:119,165,362, G>C on the plus strand (C>G on the coding strand, the complement: SFXN4 is on the minus strand). VCF-style: chr10-119165362-G-C. GRCh37 (hg19) VCF-style: chr10-120924874-G-C.
Identifiers: ClinVar variation 683825 (VCV000683825.2), dbSNP rs933092, ClinGen allele CA214187494.

ClinVar aggregate classification (germline): Benign. Review status: criteria provided, multiple submitters, no conflicts (2 of 4 stars). 2 submissions from 2 submitters: Benign (2). Last evaluated 2018-06-14.

Allele frequency attached by ClinVar (database versions not stated): 1000 Genomes Project 30x 0.99485; TOPMed 0.99544; gnomAD 0.99554 and 0.99577; 1000 Genomes Project 0.99561; gnomAD exomes 0.99967.
gnomAD v4.1: 1,306,075 of 1,307,136 alleles (100%); highest among the groups gnomAD compares: East Asian, 100%; 652,517 homozygotes.

Submissions (2):

GeneDx
Classification: Benign. Last evaluated: 2018-06-14. Review status: criteria provided, single submitter. Criteria: GeneDx Variant Classification (06012015). Collection method: clinical testing. Allele origin: germline. Affected: yes.
Comment: This variant is considered likely benign or benign based on one or more of the following criteria: it is a conservative change, it occurs at a poorly conserved position in the protein, it is predicted to be benign by multiple in silico algorithms, and/or has population frequency not consistent with disease.

Breakthrough Genomics
Classification: Benign. Review status: criteria provided, single submitter. Criteria: ACMG Guidelines, 2015. Collection method: not provided. Allele origin: germline. Inheritance: Autosomal recessive inheritance. Affected: yes.